The following is an entry in ClinVar:

ClinVar aggregate classification (germline): Uncertain significance (1 of 4 stars; one submission).

Conditions:
Epidermolysis bullosa simplex with nail dystrophy (EBS5D). Identifiers: MedGen C4225309, MONDO:0014661, OMIM 616487.
Epidermolysis bullosa simplex, Ogna type (EBS5A). Also called: Pidermolysis bullosa simplex 5A, Ogna type; EPIDERMOLYSIS BULLOSA SIMPLEX 5A, OGNA TYPE. Identifiers: Orphanet 79401, MedGen C0432317, MONDO:0007555, OMIM 131950.
Autosomal recessive limb-girdle muscular dystrophy type 2Q (LGMDR17). Also called: MUSCULAR DYSTROPHY, LIMB-GIRDLE, AUTOSOMAL RECESSIVE 17. Identifiers: Orphanet 254361, MedGen C3150989, MONDO:0013390, OMIM 613723.
Epidermolysis bullosa simplex 5B, with muscular dystrophy (EBS5B). Also called: EPIDERMOLYSIS BULLOSA SIMPLEX AND LIMB-GIRDLE MUSCULAR DYSTROPHY; Epidermolysis bullosa simplex with muscular dystrophy. Identifiers: Orphanet 257, MedGen C2931072, MONDO:0009181, OMIM 226670.
Epidermolysis bullosa simplex 5C, with pyloric atresia (EBS5C). Also called: PLEC-Related Epidermolysis Bullosa with Pyloric Atresia; Epidermolysis bullosa simplex with pyloric atresia; PLEC1-Related Epidermolysis Bullosa with Pyloric Atresia. Identifiers: Orphanet 158684, MedGen C2677349, MONDO:0012807, OMIM 612138.

Submission:

Labcorp Genetics (formerly Invitae), Labcorp
Classification: Uncertain significance for Autosomal recessive limb-girdle muscular dystrophy type 2Q; Epidermolysis bullosa simplex, Ogna type; Epidermolysis bullosa simplex with nail dystrophy; Epidermolysis bullosa simplex 5C, with pyloric atresia; Epidermolysis bullosa simplex 5B, with muscular dystrophy. Last evaluated: 2023-05-02. Review status: criteria provided, single submitter. Criteria: Invitae Variant Classification Sherloc (09022015). Collection method: clinical testing. Allele origin: germline.
Comment: In summary, the available evidence is currently insufficient to determine the role of this variant in disease. Therefore, it has been classified as a Variant of Uncertain Significance. Experimental studies and prediction algorithms are not available or were not evaluated, and the functional significance of this variant is currently unknown. This variant has not been reported in the literature in individuals affected with PLEC-related conditions. This variant is not present in population databases (gnomAD no frequency). This variant, c.12755_12781del, results in the deletion of 9 amino acid(s) of the PLEC protein (p.Gly4252_Ala4260del), but otherwise preserves the integrity of the reading frame.

NM_201384.3(PLEC):c.12674_12700del (p.Gly4225_Ala4233del)

Gene: PLEC (plectin; minus strand). Cytogenetic location: 8q24.3.
Variant type: Deletion.
Coding change: c.12674_12700del on transcript NM_201384.3 (MANE Select); coding-DNA positions 12674 to 12700, 27 bases deleted (GCACGCTCTCCATCACCGAGTTCGCCG).
Protein change: p.Gly4225_Ala4233del.
Molecular consequence: inframe deletion.
Genome position (GRCh38, 1-based): chr8:143,917,121-143,917,147, CGGCGAACTCGGTGATGGAGAGCGTGC deleted on the plus strand (GCACGCTCTCCATCACCGAGTTCGCCG on the coding strand, the reverse complement: PLEC is on the minus strand); deleting any 27 consecutive bases within chr8:143,917,121-143,917,152 gives the same sequence; the c. name uses the placement nearest the transcript's 3' end. VCF-style (leftmost placement, unchanged base first): chr8-143917120-TCGGCGAACTCGGTGATGGAGAGCGTGC-T. GRCh37 (hg19) VCF-style: chr8-144991288-TCGGCGAACTCGGTGATGGAGAGCGTGC-T.
Other names: c.12755_12781del, p.Gly4252_Ala4260del (NM_000445.5); c.9374_9400del, p.Gly3125_Ala3133del (NM_001410941.1); c.12632_12658del, p.Gly4211_Ala4219del (NM_201378.4); c.12608_12634del, p.Gly4203_Ala4211del (NM_201379.3); c.13085_13111del, p.Gly4362_Ala4370del (NM_201380.4); c.12578_12604del, p.Gly4193_Ala4201del (NM_201381.3); c.12674_12700del, p.Gly4225_Ala4233del (NM_201382.4); c.12686_12712del, p.Gly4229_Ala4237del (NM_201383.3).
Identifiers: ClinVar variation 2947444 (VCV002947444.3), dbSNP rs2539197333, ClinGen allele CA2740095376.